The following is an entry in ClinVar:

NM_000352.6(ABCC8):c.890G>T (p.Arg297Met)

Gene: ABCC8 (ATP binding cassette subfamily C member 8; minus strand). Cytogenetic location: 11p15.1.
Variant type: single nucleotide variant.
Coding change: c.890G>T on transcript NM_000352.6 (MANE Select); coding-DNA position 890, G replaced by T.
Protein change: p.Arg297Met; replaces arginine 297 with methionine.
Molecular consequence: missense variant. On other transcripts: non-coding transcript variant (1).
Genome position (GRCh38, 1-based): chr11:17,460,609, C>A on the plus strand (G>T on the coding strand, the complement: ABCC8 is on the minus strand). VCF-style: chr11-17460609-C-A. GRCh37 (hg19) VCF-style: chr11-17482156-C-A.
Other names: c.890G>T (NM_000352.4); c.890G>T, p.Arg297Met (NM_001287174.3, NM_001351295.2); c.887G>T, p.Arg296Met (NM_001351296.2, NM_001351297.2); short protein forms R296M, R297M.
Identifiers: ClinVar variation 1693120 (VCV001693120.2), dbSNP rs371802112, ClinGen allele CA5903734.

ClinVar aggregate classification (germline): Uncertain significance. Review status: criteria provided, multiple submitters, no conflicts (2 of 4 stars). 3 submissions from 2 submitters: Uncertain significance (3). Last evaluated 2023-06-15.

Conditions:
Maturity-onset diabetes of the young (MODY). Also called: Maturity onset diabetes mellitus in young. Identifiers: Orphanet 552, MedGen C0342276, MONDO:0018911, HP:0004904.
Transitory neonatal diabetes mellitus. Also called: Transient neonatal diabetes mellitus. Identifiers: MedGen C0342273, MONDO:0020525, HP:0008255.

Allele frequency attached by ClinVar (database versions not stated): ExAC 0.00001; ESP Exome Variant Server 0.00008.

Submissions (3):

Women's Health and Genetics/Laboratory Corporation of America, LabCorp
Classification: Uncertain significance. Last evaluated: 2023-06-15. Review status: criteria provided, single submitter. Criteria: LabCorp Variant Classification Summary - May 2015. Collection method: clinical testing. Allele origin: germline.
Comment: Variant summary: ABCC8 c.890G>T (p.Arg297Met) results in a non-conservative amino acid change in the encoded protein sequence. Five of five in-silico tools predict a damaging effect of the variant on protein function. The variant allele was found at a frequency of 4e-06 in 249930 control chromosomes (gnomAD). The available data on variant occurrences in the general population are insufficient to allow any conclusion about variant significance. c.890G>T has been reported in the literature in one individual affected with idiopathic pulmonary arterial hypertension (Zhu_2019). This report does not provide unequivocal conclusions about association of the variant with Familial Hyperinsulinism. To our knowledge, no experimental evidence demonstrating an impact on protein function has been reported. The following publication has been ascertained in the context of this evaluation (PMID: 31727138). No clinical diagnostic laboratories have submitted clinical-significance assessments for this variant to ClinVar after 2014. Based on the evidence outlined above, the variant was classified as uncertain significance.

Clinical Genomics, Uppaluri K&H Personalized Medicine Clinic
Classification: Uncertain significance for Maturity-onset diabetes of the young. Review status: criteria provided, single submitter. Criteria: K & H Uppaluri Personalized Medicine Clinic Variant Classification & Assertion Criteria_Updated V.1. Collection method: research. Allele origin: unknown. Inheritance: Autosomal dominant inheritance.
Comment: Mutations in ABCC8 gene are associated with both neonatal diabetes mellitus as well as MODY. Patients with this mutation may have a better response to sulfonylureas. However, no sufficient evidence is found to ascertain the role of this particular variant ( rs371802112) in MODY yet.

Clinical Genomics, Uppaluri K&H Personalized Medicine Clinic
Classification: Uncertain significance for Transitory neonatal diabetes mellitus. Review status: criteria provided, single submitter. Criteria: K & H Uppaluri Personalized Medicine Clinic Variant Classification & Assertion Criteria_Updated V.1. Collection method: research. Allele origin: unknown.
Comment: Mutations in ABCC8 gene are associated with both neonatal diabetes mellitus as well as MODY. Patients with this mutation may have a better response to sulfonylureas. However, no sufficient evidence is found to ascertain the role of this particular variant ( rs371802112) in neonatal diabetes yet.

Literature cited by the submitters: PubMed 31727138 (cited by Women's Health and Genetics/Laboratory Corporation of America, LabCorp); PubMed 16885549 (cited by Clinical Genomics, Uppaluri K&H Personalized Medicine Clinic); PubMed 21989597 (cited by Clinical Genomics, Uppaluri K&H Personalized Medicine Clinic); PubMed 27538677 (cited by Clinical Genomics, Uppaluri K&H Personalized Medicine Clinic); PubMed 18981553 (cited by Clinical Genomics, Uppaluri K&H Personalized Medicine Clinic); PubMed 32027066 (cited by Clinical Genomics, Uppaluri K&H Personalized Medicine Clinic); PubMed 16613899 (cited by Clinical Genomics, Uppaluri K&H Personalized Medicine Clinic); PubMed 18025408 (cited by Clinical Genomics, Uppaluri K&H Personalized Medicine Clinic); PubMed 32792356 (cited by Clinical Genomics, Uppaluri K&H Personalized Medicine Clinic).